The following is an entry in ClinVar:

NM_018975.4(TERF2IP):c.306C>T (p.Gly102=)

Gene: TERF2IP (TERF2 interacting protein; plus strand). Cytogenetic location: 16q23.1.
Variant type: single nucleotide variant.
Coding change: c.306C>T on transcript NM_018975.4 (MANE Select); coding-DNA position 306, C replaced by T.
Protein change: p.Gly102=; no amino-acid change (glycine 102 retained).
Molecular consequence: synonymous variant. On other transcripts: non-coding transcript variant (1).
Genome position (GRCh38, 1-based): chr16:75,648,188, C>T. VCF-style: chr16-75648188-C-T. GRCh37 (hg19) VCF-style: chr16-75682086-C-T.
Identifiers: ClinVar variation 1799464 (VCV001799464.19), dbSNP rs773686224, ClinGen allele CA496696151.

ClinVar aggregate classification (germline): Likely benign. Review status: criteria provided, multiple submitters, no conflicts (2 of 4 stars). 2 submissions from 2 submitters: Likely benign (2). Last evaluated 2024-07-01.

Allele frequency attached by ClinVar (database versions not stated): gnomAD exomes below 0.00001.
gnomAD v4.1: 5 of 1,550,436 alleles (0.00032%); highest among the groups gnomAD compares: Admixed American, 0.002%; no homozygotes.

Submissions (2):

CeGaT Center for Human Genetics Tuebingen
Classification: Likely benign. Last evaluated: 2024-07-01. Review status: criteria provided, single submitter. Criteria: CeGaT Center For Human Genetics Tuebingen Variant Classification Criteria Version 2. Collection method: clinical testing. Allele origin: germline. Affected: yes. Observed: 1 variant allele.
Comment: TERF2IP: BP4, BP7

Ambry Genetics
Classification: Likely benign. Last evaluated: 2022-04-01. Review status: criteria provided, single submitter. Criteria: Ambry Variant Classification Scheme 2023. Collection method: clinical testing. Allele origin: germline.